The following is an entry in ClinVar:

NM_018426.3(TMEM63B):c.2394A>G (p.Ser798=)

Gene: TMEM63B (transmembrane protein 63B; plus strand). Cytogenetic location: 6p21.1.
Variant type: single nucleotide variant.
Coding change: c.2394A>G on transcript NM_018426.3 (MANE Select); coding-DNA position 2394, A replaced by G.
Protein change: p.Ser798=; no amino-acid change (serine 798 retained).
Molecular consequence: synonymous variant.
Genome position (GRCh38, 1-based): chr6:44,154,778, A>G. VCF-style: chr6-44154778-A-G. GRCh37 (hg19) VCF-style: chr6-44122515-A-G.
Other names: c.2394A>G, p.Ser798= (NM_001318792.1).
Identifiers: ClinVar variation 4533904 (VCV004533904.6).
Genomic context (GRCh38, chr6:44,154,778, plus strand): 5'-CTCAGAGGTGGACGGGGATGGGGATGGGGCTCCTGGGAGCTCAGGGGATGAGCCCCCATC[A>G]TCCTCATCCCAAGATGAGGAGTTGCTGATGCCACCCGACGCCCTCACGGACACAGACTTC-3'
Protein context (NP_060896.1, residues 788-808): APGSSGDEPP[Ser798=]SSSQDEELLM

ClinVar aggregate classification (germline): Likely benign (1 of 4 stars; one submission).

gnomAD v4.1: 264 of 1,609,674 alleles (0.016%); highest among the groups gnomAD compares: East Asian, 0.55%; no homozygotes.

Submission:

CeGaT Center for Human Genetics Tuebingen
Classification: Likely benign. Last evaluated: 2025-10-01. Review status: criteria provided, single submitter. Criteria: CeGaT Center For Human Genetics Tuebingen Variant Classification Criteria Version 2. Collection method: clinical testing. Allele origin: germline. Affected: yes. Observed: 1 variant allele.
Comment: TMEM63B: BP4, BP7